The following is an entry in ClinVar:

ClinVar aggregate classification (germline): Pathogenic (1 of 4 stars; one submission).

Conditions:
Neurofibromatosis, type 1 (NF1). Also called: VON RECKLINGHAUSEN DISEASE; NEUROFIBROMATOSIS, TYPE I, SOMATIC; Neurofibromatosis, type I; Peripheral type neurofibromatosis. Identifiers: Orphanet 636, MedGen C0027831, MONDO:0018975, OMIM 162200. Disease mechanism: loss of function.

Submission:

Labcorp Genetics (formerly Invitae), Labcorp
Classification: Pathogenic for Neurofibromatosis, type 1. Last evaluated: 2023-04-26. Review status: criteria provided, single submitter. Criteria: Invitae Variant Classification Sherloc (09022015). Collection method: clinical testing. Allele origin: germline.
Comment: For these reasons, this variant has been classified as Pathogenic. This variant disrupts the c.7907+3A nucleotide in the NF1 gene. Other variant(s) that disrupt this nucleotide have been determined to be pathogenic (PMID: 22108604). This suggests that this nucleotide is clinically significant, and that variants that disrupt this position are likely to be disease-causing. This sequence change falls in intron 53 of the NF1 gene. It does not directly change the encoded amino acid sequence of the NF1 protein. It affects a nucleotide within the consensus splice site. This variant is not present in population databases (gnomAD no frequency). This variant has been observed in individual(s) with neurofibromatosis type 1 (Invitae). It has also been observed to segregate with disease in related individuals. Variants that disrupt the consensus splice site are a relatively common cause of aberrant splicing (PMID: 17576681, 9536098). Algorithms developed to predict the effect of sequence changes on RNA splicing suggest that this variant may disrupt the consensus splice site.

Literature cited by the submitters: PubMed 22108604; PubMed 17576681; PubMed 9536098.

NM_001042492.3(NF1):c.7970+3A>C

Gene: NF1 (neurofibromin 1; plus strand). Cytogenetic location: 17q11.2.
Variant type: single nucleotide variant.
Coding change: c.7970+3A>C on transcript NM_001042492.3 (MANE Select); 3 bases into the intron after coding-DNA position 7970, A replaced by C.
Molecular consequence: intron variant.
Genome position (GRCh38, 1-based): chr17:31,357,372, A>C. VCF-style: chr17-31357372-A-C. GRCh37 (hg19) VCF-style: chr17-29684390-A-C.
Other names: c.7907+3A>C (NM_000267.4).
Identifiers: ClinVar variation 2837157 (VCV002837157.3), dbSNP rs1567627282, ClinGen allele CA2739267299.
Genomic context (GRCh38, chr17:31,357,372, plus strand): 5'-TTCTTTATGAATACTTAGCAGAGGCCAGTGTTGTGTTTCCCAAAGTCTTTCCTGTTGTGT[A>C]AGTATCTCCTTTTGATTTTAATTCACCTTCGTGCCTGTCTTTAAGTTAAATGCTTACCCA-3'